The following is an entry in ClinVar:

ClinVar aggregate classification (germline): Uncertain significance (1 of 4 stars; one submission).

Submission:

Laboratory for Molecular Medicine, Mass General Brigham Personalized Medicine
Classification: Uncertain significance. Last evaluated: 2018-12-14. Review status: criteria provided, single submitter. Criteria: LMM Criteria. Collection method: clinical testing. Allele origin: germline. Observed: 1 variant allele.
Comment: The p.Thr1372Ala variant in ALMS1 has not been previously reported in individual s with hearing loss or Alstrom syndrome and was absent from large population stu dies. Computational prediction tools and conservation analysis suggest that this variant may not impact the protein, though this information is not predictive e nough to determine/rule out pathogenicity.In summary, the clinical significance of this variant is uncertain. ACMG/AMP Criteria applied: PM2, BP4.

NM_001378454.1(ALMS1):c.4111A>G (p.Thr1371Ala)

Gene: ALMS1 (ALMS1 centrosome and basal body associated protein; plus strand). Cytogenetic location: 2p13.1.
Variant type: single nucleotide variant.
Coding change: c.4111A>G on transcript NM_001378454.1 (MANE Select); coding-DNA position 4111, A replaced by G.
Protein change: p.Thr1371Ala; replaces threonine 1371 with alanine.
Molecular consequence: missense variant.
Genome position (GRCh38, 1-based): chr2:73,450,638, A>G. VCF-style: chr2-73450638-A-G. GRCh37 (hg19) VCF-style: chr2-73677765-A-G.
Other names: c.4108A>G (NM_015120.4); c.4114A>G, p.Thr1372Ala (NM_015120.4); short protein forms T1372A, T1371A.
Identifiers: ClinVar variation 667194 (VCV000667194.4), dbSNP rs1572934899, ClinGen allele CA347277483.